The following is an entry in ClinVar:

ClinVar aggregate classification (germline): Uncertain significance (1 of 4 stars; one submission).

Conditions:
Autosomal recessive polycystic kidney disease (ARPKD). Also called: AR polycystic kidney disease. Identifiers: Orphanet 731, Orphanet 8378, MedGen C0085548, MeSH D017044, MONDO:0009889.

Allele frequency attached by ClinVar (database versions not stated): ExAC 0.00001; gnomAD 0.00003; TOPMed 0.00003; gnomAD exomes 0.00004.
gnomAD v4.1: 56 of 1,613,816 alleles (0.0035%); highest among the groups gnomAD compares: Non-Finnish European, 0.0047%; no homozygotes.

Submission:

Labcorp Genetics (formerly Invitae), Labcorp
Classification: Uncertain significance for Autosomal recessive polycystic kidney disease. Last evaluated: 2022-07-21. Review status: criteria provided, single submitter. Criteria: Invitae Variant Classification Sherloc (09022015). Collection method: clinical testing. Allele origin: germline.
Comment: This sequence change replaces aspartic acid, which is acidic and polar, with asparagine, which is neutral and polar, at codon 519 of the PKHD1 protein (p.Asp519Asn). This variant is present in population databases (rs773125874, gnomAD 0.004%). This variant has not been reported in the literature in individuals affected with PKHD1-related conditions. Advanced modeling of protein sequence and biophysical properties (such as structural, functional, and spatial information, amino acid conservation, physicochemical variation, residue mobility, and thermodynamic stability) performed at Invitae indicates that this missense variant is not expected to disrupt PKHD1 protein function. In summary, the available evidence is currently insufficient to determine the role of this variant in disease. Therefore, it has been classified as a Variant of Uncertain Significance.

NM_138694.4(PKHD1):c.1555G>A (p.Asp519Asn)

Gene: PKHD1 (PKHD1 ciliary IPT domain containing fibrocystin/polyductin; minus strand). Cytogenetic location: 6p12.2.
Variant type: single nucleotide variant.
Coding change: c.1555G>A on transcript NM_138694.4 (MANE Select); coding-DNA position 1555, G replaced by A.
Protein change: p.Asp519Asn; replaces aspartic acid 519 with asparagine.
Molecular consequence: missense variant.
Genome position (GRCh38, 1-based): chr6:52,056,937, C>T on the plus strand (G>A on the coding strand, the complement: PKHD1 is on the minus strand). VCF-style: chr6-52056937-C-T. GRCh37 (hg19) VCF-style: chr6-51921735-C-T.
Other names: c.1555G>A, p.Asp519Asn (NM_170724.3); short protein forms D519N.
Identifiers: ClinVar variation 2146267 (VCV002146267.1), dbSNP rs773125874, ClinGen allele CA3853523.